The following is an entry in ClinVar:

NM_001114753.3(ENG):c.-200C>T

Gene: ENG (endoglin; minus strand). Cytogenetic location: 9q34.11.
Variant type: single nucleotide variant.
Coding change: c.-200C>T on transcript NM_001114753.3 (MANE Select); 200 bases upstream of the start codon, C replaced by T.
Molecular consequence: 5 prime UTR variant.
Genome position (GRCh38, 1-based): chr9:127,854,555, G>A on the plus strand (C>T on the coding strand, the complement: ENG is on the minus strand). VCF-style: chr9-127854555-G-A. GRCh37 (hg19) VCF-style: chr9-130616834-G-A.
Other names: c.-200C>T (NM_000118.4, NM_001406715.1).
Identifiers: ClinVar variation 3705270 (VCV003705270.2).

ClinVar aggregate classification (germline): Uncertain significance (1 of 4 stars; one submission).

Conditions:
Hereditary hemorrhagic telangiectasia (HHT). Also called: ORW DISEASE; Osler Weber Rendu syndrome; OSLER-RENDU-WEBER DISEASE; Osler hemorrhagic telangiectasia syndrome. Identifiers: Orphanet 774, MedGen C0039445, MONDO:0019180. Disease mechanism: loss of function.

gnomAD v4.1: 8 of 584,912 alleles (0.0014%); highest among the groups gnomAD compares: Non-Finnish European, 0.0021%; no homozygotes.

Submission:

Labcorp Genetics (formerly Invitae), Labcorp
Classification: Uncertain significance for Hereditary hemorrhagic telangiectasia. Last evaluated: 2024-09-22. Review status: criteria provided, single submitter. Criteria: Invitae Variant Classification Sherloc (09022015). Collection method: clinical testing. Allele origin: germline.
Comment: This variant occurs in a non-coding region of the ENG gene. It does not change the encoded amino acid sequence of the ENG protein. This variant is present in population databases (no rsID available, gnomAD 0.007%). This variant has not been reported in the literature in individuals affected with ENG-related conditions. In summary, the available evidence is currently insufficient to determine the role of this variant in disease. Therefore, it has been classified as a Variant of Uncertain Significance.